The following is an entry in ClinVar:

ClinVar aggregate classification (germline): Uncertain significance. Review status: criteria provided, multiple submitters, no conflicts (2 of 4 stars). 4 submissions from 4 submitters: Uncertain significance (4). Last evaluated 2026-02-03.

Conditions:
Cardiovascular phenotype. Identifiers: MedGen CN230736.
EYA4-related disorder. Also called: EYA4-related condition; EYA4-related disorders. Identifiers: MedGen CN239388.
Dilated cardiomyopathy 1J (CMD1J). Also called: CARDIOMYOPATHY, DILATED, WITH SENSORINEURAL HEARING LOSS, AUTOSOMAL DOMINANT. Identifiers: Orphanet 217622, MedGen C1854368, MONDO:0011541, OMIM 605362.

Allele frequency attached by ClinVar (database versions not stated): gnomAD exomes 0.00001 and 0.00002; TOPMed 0.00001; ExAC 0.00002.
gnomAD v4.1: 17 of 1,613,736 alleles (0.0011%); highest among the groups gnomAD compares: Middle Eastern, 0.017%; no homozygotes.

Submissions (4):

PreventionGenetics, part of Exact Sciences
Classification: Uncertain significance for EYA4-related condition. Last evaluated: 2026-02-03. Review status: criteria provided, single submitter. Criteria: ACMG Guidelines, 2015. Collection method: clinical testing. Allele origin: germline.
Comment: The EYA4 c.5A>G variant is predicted to result in the amino acid substitution p.Glu2Gly. To our knowledge, this variant has not been reported in the literature. This variant is reported in 0.0087% of alleles in individuals of Latino descent in gnomAD. At this time, the clinical significance of this variant is uncertain due to the absence of conclusive functional and genetic evidence.

GeneDx
Classification: Uncertain significance. Last evaluated: 2025-09-18. Review status: criteria provided, single submitter. Criteria: GeneDx Variant Classification Process June 2021. Collection method: clinical testing. Allele origin: germline.
Comment: Not observed at significant frequency in large population cohorts (gnomAD); In silico analysis suggests that this missense variant does not alter protein structure/function; Has not been previously published as pathogenic or benign to our knowledge

Labcorp Genetics (formerly Invitae), Labcorp
Classification: Uncertain significance for Dilated cardiomyopathy 1J. Last evaluated: 2025-08-03. Review status: criteria provided, single submitter. Criteria: Invitae Variant Classification Sherloc (09022015). Collection method: clinical testing. Allele origin: germline.
Comment: This sequence change replaces glutamic acid, which is acidic and polar, with glycine, which is neutral and non-polar, at codon 2 of the EYA4 protein (p.Glu2Gly). This variant is present in population databases (rs780081930, gnomAD 0.007%). This variant has not been reported in the literature in individuals affected with EYA4-related conditions. ClinVar contains an entry for this variant (Variation ID: 534390). An algorithm developed to predict the effect of missense changes on protein structure and function (PolyPhen-2) suggests that this variant is likely to be tolerated. In summary, the available evidence is currently insufficient to determine the role of this variant in disease. Therefore, it has been classified as a Variant of Uncertain Significance.

Ambry Genetics
Classification: Uncertain significance for Cardiovascular phenotype. Last evaluated: 2022-01-05. Review status: criteria provided, single submitter. Criteria: Ambry Variant Classification Scheme 2023. Collection method: clinical testing. Allele origin: germline.
Comment: The p.E2G variant (also known as c.5A>G), located in coding exon 1 of the EYA4 gene, results from an A to G substitution at nucleotide position 5. The glutamic acid at codon 2 is replaced by glycine, an amino acid with similar properties. This amino acid position is conserved. In addition, the in silico prediction for this alteration is inconclusive. Since supporting evidence is limited at this time, the clinical significance of this alteration remains unclear.

NM_004100.5(EYA4):c.5A>G (p.Glu2Gly)

Gene: EYA4 (EYA transcriptional coactivator and phosphatase 4; plus strand). Cytogenetic location: 6q23.2.
Variant type: single nucleotide variant.
Coding change: c.5A>G on transcript NM_004100.5 (MANE Select); coding-DNA position 5, A replaced by G.
Protein change: p.Glu2Gly; replaces glutamic acid 2 with glycine.
Molecular consequence: missense variant.
Genome position (GRCh38, 1-based): chr6:133,274,785, A>G. VCF-style: chr6-133274785-A-G. GRCh37 (hg19) VCF-style: chr6-133595923-A-G.
Other names: c.5A>G, p.Glu2Gly (NM_001301012.2, NM_001301013.2, NM_001370458.1 and 3 more transcripts); short protein forms E2G.
Identifiers: ClinVar variation 534390 (VCV000534390.13), dbSNP rs780081930, ClinGen allele CA4007908.